The following is an entry in ClinVar:

ClinVar aggregate classification (germline): Likely benign. Review status: criteria provided, single submitter (1 of 4 stars). 2 submissions from 2 submitters: Likely benign (1). 1 of the submissions does not count toward it. Last evaluated 2025-05-05.

Conditions:
KIDINS220-related disorder. Also called: KIDINS220-related condition.

Allele frequency attached by ClinVar (database versions not stated): TOPMed 0.00001.
gnomAD v4.1: 34 of 1,613,998 alleles (0.0021%); highest among the groups gnomAD compares: Non-Finnish European, 0.0028%; no homozygotes.

Submissions (2):

Labcorp Genetics (formerly Invitae), Labcorp
Classification: Likely benign. Last evaluated: 2025-05-05. Review status: criteria provided, single submitter. Criteria: Invitae Variant Classification Sherloc (09022015). Collection method: clinical testing. Allele origin: germline.

PreventionGenetics, part of Exact Sciences
Classification: Likely benign for KIDINS220-related condition. Last evaluated: 2024-01-30. Review status: no assertion criteria provided. Collection method: clinical testing. Allele origin: germline. Not counted in ClinVar's aggregate classification.
Comment: This variant is classified as likely benign based on ACMG/AMP sequence variant interpretation guidelines (Richards et al. 2015 PMID: 25741868, with internal and published modifications).

NM_020738.4(KIDINS220):c.4821C>G (p.Ser1607=)

Gene: KIDINS220 (kinase D interacting substrate 220; minus strand). Cytogenetic location: 2p25.1.
Variant type: single nucleotide variant.
Coding change: c.4821C>G on transcript NM_020738.4 (MANE Select); coding-DNA position 4821, C replaced by G.
Protein change: p.Ser1607=; no amino-acid change (serine 1607 retained).
Molecular consequence: synonymous variant. On other transcripts: intron variant (6).
Genome position (GRCh38, 1-based): chr2:8,731,215, G>C on the plus strand (C>G on the coding strand, the complement: KIDINS220 is on the minus strand). VCF-style: chr2-8731215-G-C. GRCh37 (hg19) VCF-style: chr2-8871345-G-C.
Other names: c.4824C>G, p.Ser1608= (NM_001348729.2); c.4767C>G, p.Ser1589= (NM_001348731.2); c.4764C>G, p.Ser1588= (NM_001348732.2); c.4653C>G, p.Ser1551= (NM_001348734.2); c.4650C>G, p.Ser1550= (NM_001348735.2); c.4524C>G, p.Ser1508= (NM_001348736.2); c.3882+2229C>G (NM_001348741.2, NM_001348742.2, NM_001348743.2); c.3996+2229C>G (NM_001348738.2); and 2 more.
Identifiers: ClinVar variation 2059914 (VCV002059914.6), dbSNP rs902360620, ClinGen allele CA42327715.